The following is an entry in ClinVar:

NM_007294.4(BRCA1):c.4751C>T (p.Ala1584Val)

Gene: BRCA1 (BRCA1 DNA repair associated; minus strand). Cytogenetic location: 17q21.31.
Variant type: single nucleotide variant.
Coding change: c.4751C>T on transcript NM_007294.4 (MANE Select); coding-DNA position 4751, C replaced by T.
Protein change: p.Ala1584Val; replaces alanine 1584 with valine.
Molecular consequence: missense variant. On other transcripts: non-coding transcript variant (1).
Genome position (GRCh38, 1-based): chr17:43,071,163, G>A on the plus strand (C>T on the coding strand, the complement: BRCA1 is on the minus strand). VCF-style: chr17-43071163-G-A. GRCh37 (hg19) VCF-style: chr17-41223180-G-A.
Other names: c.1316C>T, p.Ala439Val (NM_001408436.1, NM_001408437.1, NM_001408442.1 and 10 more transcripts); c.4748C>T, p.Ala1583Val (NM_001407859.1, NM_001407860.1, NM_001407610.1 and 17 more transcripts); c.4541C>T, p.Ala1514Val (NM_001407882.1, NM_001407881.1, NM_001407879.1 and 5 more transcripts); c.4550C>T, p.Ala1517Val (NM_001407862.1); c.4544C>T, p.Ala1515Val (NM_001407875.1, NM_001407874.1); c.4625C>T, p.Ala1542Val (NM_001407863.1, NM_001407670.1, NM_001407671.1 and 11 more transcripts); c.4745C>T, p.Ala1582Val (NM_001407861.1, NM_001407627.1, NM_001407628.1 and 14 more transcripts); c.1436C>T, p.Ala479Val (NM_001408398.1, NM_001408399.1, NM_001408400.1 and 8 more transcripts); and 70 more; short protein forms A1584V, A1537V, A1605V, A480V, A1288V, A1415V, A1456V, A1472V.
Identifiers: ClinVar variation 409295 (VCV000409295.16), dbSNP rs1060502323, ClinGen allele CA10592005.

ClinVar aggregate classification (germline): Uncertain significance (1 of 4 stars; one submission).

Conditions:
Hereditary breast ovarian cancer syndrome. Also called: BRCA1- and BRCA2-Associated Hereditary Breast and Ovarian Cancer; Hereditary breast and ovarian cancer syndrome (HBOC); Hereditary breast and ovarian cancer; Hereditary breast and ovarian cancer syndrome; Breast and ovarian cancer; Hereditary breast and/or ovarian cancer syndrome. Identifiers: Orphanet 145, MedGen C0677776, MeSH D061325, MONDO:0003582. Disease mechanism: loss of function.

Submission:

Labcorp Genetics (formerly Invitae), Labcorp
Classification: Uncertain significance for Hereditary breast ovarian cancer syndrome. Last evaluated: 2022-03-06. Review status: criteria provided, single submitter. Criteria: Invitae Variant Classification Sherloc (09022015). Collection method: clinical testing. Allele origin: germline.
Comment: In summary, the available evidence is currently insufficient to determine the role of this variant in disease. Therefore, it has been classified as a Variant of Uncertain Significance. Advanced modeling of protein sequence and biophysical properties (such as structural, functional, and spatial information, amino acid conservation, physicochemical variation, residue mobility, and thermodynamic stability) performed at Invitae indicates that this missense variant is not expected to disrupt BRCA1 protein function. ClinVar contains an entry for this variant (Variation ID: 409295). This variant has not been reported in the literature in individuals affected with BRCA1-related conditions. This variant is not present in population databases (gnomAD no frequency). This sequence change replaces alanine, which is neutral and non-polar, with valine, which is neutral and non-polar, at codon 1584 of the BRCA1 protein (p.Ala1584Val).